The following is an entry in ClinVar:

NM_001267550.2(TTN):c.74015del (p.Thr24672fs)

Genes: TTN (titin; minus strand), TTN-AS1 (TTN antisense RNA 1; plus strand). Cytogenetic location: 2q31.2.
Variant type: Deletion.
Coding change: c.74015del on transcript NM_001267550.2 (MANE Select); coding-DNA position 74015, one base deleted (C; older notation c.74015delC).
Protein change: p.Thr24672fs; shifts the reading frame from threonine 24672.
Molecular consequence: frameshift variant.
Genome position (GRCh38, 1-based): chr2:178,572,117, G deleted on the plus strand (C on the coding strand, the reverse complement: TTN is on the minus strand). VCF-style (leftmost placement, unchanged base first): chr2-178572116-AG-A. GRCh37 (hg19) VCF-style: chr2-179436843-AG-A.
Other names: c.69092del, p.Thr23031fs (NM_001256850.1); c.46820del, p.Thr15607fs (NM_003319.4); c.66311del, p.Thr22104fs (NM_133378.4); c.47195del, p.Thr15732fs (NM_133432.3); c.47396del, p.Thr15799fs (NM_133437.4); c.46820delC (NM_003319.4); short protein forms T15607fs, T15732fs, T22104fs, T23031fs, T15799fs, T24672fs.
Identifiers: ClinVar variation 2028971 (VCV002028971.5), dbSNP rs2468523565, ClinGen allele CA2580064767.

ClinVar aggregate classification (germline): Likely pathogenic. Review status: criteria provided, multiple submitters, no conflicts (2 of 4 stars). 2 submissions from 2 submitters: Likely pathogenic (2). Last evaluated 2024-07-26.

Conditions:
Primary dilated cardiomyopathy (DCM). Also called: Dilated Cardiomyopathy. Identifiers: Orphanet 217604, MedGen C0007193, MeSH D002311, MONDO:0005021, HP:0001644. Inheritance: Various modes of inheritance.
Dilated cardiomyopathy 1G (CMD1G). Identifiers: Orphanet 154, MedGen C1858763, MONDO:0011400, OMIM 604145.
Autosomal recessive limb-girdle muscular dystrophy type 2J (LGMDR10). Also called: Limb-girdle muscular dystrophy, type 2J; MUSCULAR DYSTROPHY, LIMB-GIRDLE, AUTOSOMAL RECESSIVE 10. Identifiers: Orphanet 140922, MedGen C1837342, MONDO:0012127, OMIM 608807.

Submissions (2):

Labcorp Genetics (formerly Invitae), Labcorp
Classification: Likely pathogenic for Dilated cardiomyopathy 1G; Autosomal recessive limb-girdle muscular dystrophy type 2J. Last evaluated: 2024-07-26. Review status: criteria provided, single submitter. Criteria: Invitae Variant Classification Sherloc (09022015). Collection method: clinical testing. Allele origin: germline.
Comment: This sequence change creates a premature translational stop signal (p.Thr24672Metfs*8) in the TTN gene. While this is not anticipated to result in nonsense mediated decay, it is expected to create a truncated TTN protein. This variant is not present in population databases (gnomAD no frequency). This variant has not been reported in the literature in individuals affected with TTN-related conditions. ClinVar contains an entry for this variant (Variation ID: 2028971). This variant is located in the A band of TTN (PMID: 25589632). Truncating variants in this region are significantly overrepresented in patients affected with dilated cardiomyopathy (PMID: 25589632). Truncating variants in this region have also been reported in individuals affected with autosomal recessive centronuclear myopathy (PMID: 23975875). In summary, the currently available evidence indicates that the variant is pathogenic, but additional data are needed to prove that conclusively. Therefore, this variant has been classified as Likely Pathogenic.

Lildballe Lab, Aarhus University Hospital
Classification: Likely pathogenic for dilated cardiomyopathy. Last evaluated: 2024-03-01. Review status: criteria provided, single submitter. Criteria: ACMG Guidelines, 2015. Collection method: research. Allele origin: germline. Affected: yes.
Comment: PVS1(vs), PM2(sup)

Literature cited by the submitters: PubMed 25589632 (cited by Labcorp Genetics (formerly Invitae), Labcorp); PubMed 23975875 (cited by Labcorp Genetics (formerly Invitae), Labcorp); PubMed 25741937 (cited by Lildballe Lab, Aarhus University Hospital); PubMed 39481677 (cited by Lildballe Lab, Aarhus University Hospital).